The following is an entry in ClinVar:

NM_001083961.2(WDR62):c.4362G>T (p.Glu1454Asp)

Gene: WDR62 (WD repeat domain 62; plus strand). Cytogenetic location: 19q13.12.
Variant type: single nucleotide variant.
Coding change: c.4362G>T on transcript NM_001083961.2 (MANE Select); coding-DNA position 4362, G replaced by T.
Protein change: p.Glu1454Asp; replaces glutamic acid 1454 with aspartic acid.
Molecular consequence: missense variant.
Genome position (GRCh38, 1-based): chr19:36,104,818, G>T. VCF-style: chr19-36104818-G-T. GRCh37 (hg19) VCF-style: chr19-36595720-G-T.
Other names: c.4347G>T, p.Glu1449Asp (NM_001411145.1, NM_173636.5); c.4113G>T, p.Glu1371Asp (NM_001411146.1); c.4011G>T, p.Glu1337Asp (NM_001411147.1); short protein forms E1449D, E1454D, E1337D, E1371D.
Identifiers: ClinVar variation 1990256 (VCV001990256.4), dbSNP rs779504562, ClinGen allele CA9396560.

ClinVar aggregate classification (germline): Uncertain significance (1 of 4 stars; one submission).

Allele frequency attached by ClinVar (database versions not stated): ExAC 0.00001; TOPMed 0.00001.
gnomAD v4.1: 20 of 1,613,580 alleles (0.0012%); highest among the groups gnomAD compares: East Asian, 0.036%; no homozygotes.

Submission:

Labcorp Genetics (formerly Invitae), Labcorp
Classification: Uncertain significance. Last evaluated: 2025-10-21. Review status: criteria provided, single submitter. Criteria: Invitae Variant Classification Sherloc (09022015). Collection method: clinical testing. Allele origin: germline.
Comment: This sequence change replaces glutamic acid, which is acidic and polar, with aspartic acid, which is acidic and polar, at codon 1454 of the WDR62 protein (p.Glu1454Asp). This variant is present in population databases (rs779504562, gnomAD 0.02%). This variant has not been reported in the literature in individuals affected with WDR62-related conditions. ClinVar contains an entry for this variant (Variation ID: 1990256). An algorithm developed to predict the effect of missense changes on protein structure and function (PolyPhen-2) suggests that this variant is likely to be tolerated. In summary, the available evidence is currently insufficient to determine the role of this variant in disease. Therefore, it has been classified as a Variant of Uncertain Significance.